The following is an entry in ClinVar:

NM_178859.4(SLC51B):c.280G>A (p.Glu94Lys)

Genes: RASL12 (RAS like family 12; minus strand), SLC51B (SLC51 subunit beta; plus strand). Cytogenetic location: 15q22.31.
Variant type: single nucleotide variant.
Coding change: c.280G>A on transcript NM_178859.4 (MANE Select); coding-DNA position 280, G replaced by A.
Protein change: p.Glu94Lys; replaces glutamic acid 94 with lysine.
Molecular consequence: missense variant.
Genome position (GRCh38, 1-based): chr15:65,053,057, G>A. VCF-style: chr15-65053057-G-A. GRCh37 (hg19) VCF-style: chr15-65345395-G-A.
Other names: short protein forms E94K.
Identifiers: ClinVar variation 3687858 (VCV003687858.2).

ClinVar aggregate classification (germline): Uncertain significance (1 of 4 stars; one submission).

gnomAD v4.1: 2 of 1,614,096 alleles (0.00012%); highest among the groups gnomAD compares: Non-Finnish European, 0.00017%; no homozygotes.

Submission:

Labcorp Genetics (formerly Invitae), Labcorp
Classification: Uncertain significance. Last evaluated: 2024-02-06. Review status: criteria provided, single submitter. Criteria: Invitae Variant Classification Sherloc (09022015). Collection method: clinical testing. Allele origin: germline.
Comment: This sequence change replaces glutamic acid, which is acidic and polar, with lysine, which is basic and polar, at codon 94 of the SLC51B protein (p.Glu94Lys). This variant is present in population databases (no rsID available, gnomAD 0.0009%). This variant has not been reported in the literature in individuals affected with SLC51B-related conditions. An algorithm developed to predict the effect of missense changes on protein structure and function (PolyPhen-2) suggests that this variant is likely to be tolerated. In summary, the available evidence is currently insufficient to determine the role of this variant in disease. Therefore, it has been classified as a Variant of Uncertain Significance.